The following is an entry in ClinVar:

Single allele

Genes: ANKRD42 (ankyrin repeat domain 42; plus strand), ANKRD42-DT (ANKRD42 divergent transcript; minus strand), CCDC81 (coiled-coil domain containing 81; plus strand), CCDC83 (coiled-coil domain containing 83; plus strand), CCDC89 (coiled-coil domain containing 89; minus strand) and 185 more. Cytogenetic location: 11q14.1-14.3.
Variant type: Deletion.
Identifiers: ClinVar variation 4819210 (VCV004819210.1).

ClinVar aggregate classification (germline): Pathogenic (1 of 4 stars; one submission).

Conditions:
Partial deletion of the long arm of chromosome 11. Identifiers: Orphanet 262092, MedGen C2931804, MONDO:0016910.

Submission:

Broad Center for Mendelian Genomics, Broad Institute of MIT and Harvard
Classification: Pathogenic for Partial deletion of the long arm of chromosome 11. Last evaluated: 2023-05-01. Review status: criteria provided, single submitter. Criteria: ACMG/ClinGen CNV Guidelines, 2019. Collection method: research. Allele origin: germline. Inheritance: Autosomal dominant inheritance. Affected: yes.
Comment: These breakpoints have been called by exome sequencing only and therefore may not reflect the true breakpoints. The patient phenotype is nonspecific, but is consistent with cases described in the literature and/or published databases with overlapping variants. At least 3 reported probands with global developmental delay and/or intellectual disability from the literature and the DECIPHER database have a copy-number los similar in genomic content to the variant in our study (PMID: 20688202; DECIPHER: 331213, 497322). The variants reported are confirmed de novo or assumed de novo, and the reported phenotypes are nonspecific. There is complete overlap with the FZD4 gene which is known to be haploinsufficient and has been assessed by the ClinGen Dosage Sensitivity Working Group. There is also complete overlap with the DLG2 gene, which has been evaluated by the ClinGen dosage sensitivity working group but did not meet the burden of evidence to support haploinsufficiency. However, truncating variants in DLG2 have been more recently reported in individuals in the literature with neurodevelopmental disorders, and there is a statistically significant increase amongst observations of DLG2 intragenic deletions in cases of developmental delay, intellectual disability, autism spectrum disorder, dysmorphic findings, and/or congenital anomalies compared to controls (PMID: 37860969). Data from large population studies are insufficient to assess the frequency of this variant. In summary, this variant meets criteria to be classified as pathogenic for exudative vitreoretinopathy and neurodevelopmental disorders. The ACMG/ClinGen evidence codes and points used in this curation are as follows: 1: 0 points, 2: 1 points, 3: 0.45 points, 4-5: 0.65 points; Total: 2.1 points; Riggs 2020 (PMID: 31690835).

Literature cited by the submitters: PubMed 20688202; PubMed 37860969.